The following is an entry in ClinVar:

NM_004493.3(HSD17B10):c.250C>T (p.Arg84Cys)

Gene: HSD17B10 (hydroxysteroid 17-beta dehydrogenase 10; minus strand). Cytogenetic location: Xp11.22.
Variant type: single nucleotide variant.
Coding change: c.250C>T on transcript NM_004493.3 (MANE Select); coding-DNA position 250, C replaced by T.
Protein change: p.Arg84Cys; replaces arginine 84 with cysteine.
Molecular consequence: missense variant.
Genome position (GRCh38, 1-based): chrX:53,432,354, G>A on the plus strand (C>T on the coding strand, the complement: HSD17B10 is on the minus strand). VCF-style: chrX-53432354-G-A. GRCh37 (hg19) VCF-style: chrX-53459302-G-A.
Other names: c.250C>T, p.Arg84Cys (NM_001037811.2); short protein forms R84C.
Identifiers: ClinVar variation 3730912 (VCV003730912.1).

ClinVar aggregate classification (germline): Uncertain significance (1 of 4 stars; one submission).

gnomAD v4.1: 1 of 1,209,794 alleles (0.000083%); highest among the groups gnomAD compares: African/African-American, 0.0017%; no homozygotes.

Submission:

GeneDx
Classification: Uncertain significance. Last evaluated: 2024-08-13. Review status: criteria provided, single submitter. Criteria: GeneDx Variant Classification Process June 2021. Collection method: clinical testing. Allele origin: germline. Affected: yes.
Comment: Not observed at significant frequency in large population cohorts (gnomAD); In silico analysis supports that this missense variant has a deleterious effect on protein structure/function; Has not been previously published as pathogenic or benign to our knowledge